The following is an entry in ClinVar:

NM_005529.7(HSPG2):c.7159-1G>A

Gene: HSPG2 (heparan sulfate proteoglycan 2; minus strand). Cytogenetic location: 1p36.12.
Variant type: single nucleotide variant.
Coding change: c.7159-1G>A on transcript NM_005529.7 (MANE Select); the canonical splice acceptor site of the intron before coding-DNA position 7159, G replaced by A.
Molecular consequence: splice acceptor variant.
Genome position (GRCh38, 1-based): chr1:21,850,499, C>T on the plus strand (G>A on the coding strand, the complement: HSPG2 is on the minus strand). VCF-style: chr1-21850499-C-T. GRCh37 (hg19) VCF-style: chr1-22176992-C-T.
Other names: c.7162-1G>A (NM_001291860.2).
Identifiers: ClinVar variation 4884430 (VCV004884430.1).

ClinVar aggregate classification (germline): Likely pathogenic (1 of 4 stars; one submission).

Conditions:
Schwartz-Jampel syndrome type 1 (SJS1). Also called: MYOTONIC MYOPATHY, DWARFISM, CHONDRODYSTROPHY, AND OCULAR AND FACIAL ABNORMALITIES; CHONDRODYSTROPHIC MYOTONIA. Identifiers: MedGen C4551479, MONDO:0100435, OMIM 255800.

Submission:

Institute of Human Genetics, Heidelberg University
Classification: Likely pathogenic for Schwartz-Jampel syndrome type 1. Last evaluated: 2026-07-10. Review status: criteria provided, single submitter. Criteria: ACMG Guidelines, 2015. Collection method: clinical testing. Allele origin: maternal. Affected: yes. Observed: 2 variant alleles.
Comment: PVS1, PM2_supp